The following is an entry in ClinVar:

NM_139056.4(ADAMTS16):c.81G>T (p.Ala27=)

Gene: ADAMTS16 (ADAM metallopeptidase with thrombospondin type 1 motif 16; plus strand). Cytogenetic location: 5p15.32.
Variant type: single nucleotide variant.
Coding change: c.81G>T on transcript NM_139056.4 (MANE Select); coding-DNA position 81, G replaced by T.
Protein change: p.Ala27=; no amino-acid change (alanine 27 retained).
Molecular consequence: synonymous variant. On other transcripts: non-coding transcript variant (1).
Genome position (GRCh38, 1-based): chr5:5,140,672, G>T. VCF-style: chr5-5140672-G-T. GRCh37 (hg19) VCF-style: chr5-5140785-G-T.
Identifiers: ClinVar variation 2655281 (VCV002655281.24), dbSNP rs758819088, ClinGen allele CA3189224.

ClinVar aggregate classification (germline): Likely benign (1 of 4 stars; one submission).

Allele frequency attached by ClinVar (database versions not stated): TOPMed 0.00002; ExAC 0.00024.
gnomAD v4.1: 60 of 1,554,378 alleles (0.0039%); highest among the groups gnomAD compares: Middle Eastern, 0.078%; no homozygotes.

Submission:

CeGaT Center for Human Genetics Tuebingen
Classification: Likely benign. Last evaluated: 2023-01-01. Review status: criteria provided, single submitter. Criteria: CeGaT Center For Human Genetics Tuebingen Variant Classification Criteria Version 2. Collection method: clinical testing. Allele origin: germline. Affected: yes. Observed: 1 variant allele.
Comment: ADAMTS16: BP4, BP7